The following is an entry in ClinVar:

NM_001436401.1(NOBOX):c.1132C>A (p.Pro378Thr)

Gene: NOBOX (NOBOX oogenesis homeobox; minus strand). Cytogenetic location: 7q35.
Variant type: single nucleotide variant.
Coding change: c.1132C>A on transcript NM_001436401.1 (MANE Select); coding-DNA position 1132, C replaced by A.
Protein change: p.Pro378Thr; replaces proline 378 with threonine.
Molecular consequence: missense variant.
Genome position (GRCh38, 1-based): chr7:144,398,573, G>T on the plus strand (C>A on the coding strand, the complement: NOBOX is on the minus strand). VCF-style: chr7-144398573-G-T. GRCh37 (hg19) VCF-style: chr7-144095666-G-T.
Other names: NM_001080413.3:c.1483C>A; c.580C>A, p.Pro194Thr (NM_001436402.1); short protein forms P194T, P378T.
Identifiers: ClinVar variation 908266 (VCV000908266.7), dbSNP rs762648490, ClinGen allele CA4544538.

ClinVar aggregate classification (germline): Conflicting classifications of pathogenicity. Review status: criteria provided, conflicting classifications (1 of 4 stars). 3 submissions from 3 submitters: Uncertain significance (1); Likely benign (1). 1 of the submissions does not count toward it. Last evaluated 2022-12-19.

Conditions:
Inborn genetic diseases. Identifiers: MedGen C0950123, MeSH D030342.
Premature ovarian failure 5 (POF5). Identifiers: MedGen C1969060, MONDO:0012689, OMIM 611548.

Allele frequency attached by ClinVar (database versions not stated): gnomAD exomes 0.00013 and 0.00018; TOPMed 0.00022; ExAC 0.00040.

Submissions (3):

Ambry Genetics
Classification: Uncertain significance for Inborn genetic diseases. Last evaluated: 2022-12-19. Review status: criteria provided, single submitter. Criteria: Ambry Variant Classification Scheme 2023. Collection method: clinical testing. Allele origin: germline.

Illumina Laboratory Services, Illumina
Classification: Likely benign for Premature ovarian failure 5. Last evaluated: 2017-05-31. Review status: criteria provided, single submitter. Criteria: ICSL Variant Classification Criteria 13 December 2019. Collection method: clinical testing. Allele origin: germline.
Comment: This variant was observed as part of a predisposition screen in an ostensibly healthy population. A literature search was performed for the gene, cDNA change, and amino acid change (where applicable). No publications were found based on this search. Allele frequency data from public databases allowed determination this variant is unlikely to cause disease. Therefore, this variant is classified as likely benign.

Zotz-Klimas Genetics Lab, MVZ Zotz Klimas
Classification: Uncertain significance for Premature ovarian failure 5. Last evaluated: 2023-11-02. Review status: no assertion criteria provided. Collection method: clinical testing. Allele origin: germline. Affected: yes. Not counted in ClinVar's aggregate classification.